The following is an entry in ClinVar:

ClinVar aggregate classification (germline): Pathogenic (1 of 4 stars; one submission).

gnomAD v4.1: 1 of 1,607,898 alleles (0.000062%); highest among the groups gnomAD compares: Non-Finnish European, 0.000085%; no homozygotes.

Submission:

GeneDx
Classification: Pathogenic. Last evaluated: 2024-08-03. Review status: criteria provided, single submitter. Criteria: GeneDx Variant Classification Process June 2021. Collection method: clinical testing. Allele origin: germline. Affected: yes.
Comment: Canonical splice site variant predicted to result in a null allele in a gene for which loss-of-function is a known mechanism of disease; Not observed at significant frequency in large population cohorts (gnomAD); Has not been previously published as pathogenic or benign to our knowledge

NM_006618.5(KDM5B):c.1539-1G>A

Gene: KDM5B (lysine demethylase 5B; minus strand). Cytogenetic location: 1q32.1.
Variant type: single nucleotide variant.
Coding change: c.1539-1G>A on transcript NM_006618.5 (MANE Select); the canonical splice acceptor site of the intron before coding-DNA position 1539, G replaced by A.
Molecular consequence: splice acceptor variant.
Genome position (GRCh38, 1-based): chr1:202,753,068, C>T on the plus strand (G>A on the coding strand, the complement: KDM5B is on the minus strand). VCF-style: chr1-202753068-C-T. GRCh37 (hg19) VCF-style: chr1-202722196-C-T.
Other names: c.1524-1G>A (NM_001399817.1); c.1404-1G>A (NM_001347591.2); c.1647-1G>A (NM_001314042.2).
Identifiers: ClinVar variation 3602227 (VCV003602227.1).